The following is an entry in ClinVar:

NM_000094.4(COL7A1):c.6726del (p.Ser2243fs)

Gene: COL7A1 (collagen type VII alpha 1 chain; minus strand). Cytogenetic location: 3p21.31.
Variant type: Deletion.
Coding change: c.6726del on transcript NM_000094.4 (MANE Select); coding-DNA position 6726, one base deleted (G; older notation c.6726delG).
Protein change: p.Ser2243fs; shifts the reading frame from serine 2243.
Molecular consequence: frameshift variant.
Genome position (GRCh38, 1-based): chr3:48,573,045, C deleted on the plus strand (G on the coding strand, the reverse complement: COL7A1 is on the minus strand); the first of 4 consecutive C bases (chr3:48,573,045-48,573,048); deleting any one gives the same sequence. VCF-style (leftmost placement, unchanged base first): chr3-48573044-AC-A. GRCh37 (hg19) VCF-style: chr3-48610477-AC-A.
Other names: short protein forms S2243fs.
Identifiers: ClinVar variation 5012784 (VCV005012784.1).

ClinVar aggregate classification (germline): Pathogenic (1 of 4 stars; one submission).

Conditions:
Recessive dystrophic epidermolysis bullosa (RDEB). Also called: DYSTROPHIC EPIDERMOLYSIS BULLOSA, AUTOSOMAL RECESSIVE; EPIDERMOLYSIS BULLOSA DYSTROPHICA, HALLOPEAU-SIEMENS TYPE; Hallopeau-Siemens Disease; severe generalized recessive dystrophic epidermolysis bullosa; EPIDERMOLYSIS BULLOSA DYSTROPHICA, GENERALIZED SEVERE, AUTOSOMAL RECESSIVE; Epidermolysis Bullosa Distrophica Autosomal Recessive (RDEB). Identifiers: Orphanet 79408, Orphanet 79409, MedGen C0079474, MONDO:0009179, OMIM 226600.

Submission:

Myriad Genetics, Inc.
Classification: Pathogenic for Recessive dystrophic epidermolysis bullosa. Last evaluated: 2024-02-28. Review status: criteria provided, single submitter. Criteria: Myriad Autosomal Dominant, Autosomal Recessive and X-Linked Classification Criteria (2023). Collection method: clinical testing. Allele origin: unknown.
Comment: NM_000094.3(COL7A1):c.6726delG(S2243Lfs*145) is expected to be pathogenic in the context of dystrophic epidermolysis bullosa. This variant is predicted to lead to an abnormal or absent protein product due to the creation of a premature termination codon in COL7A1, a gene where loss-of-function variants are known to be pathogenic. Please note: this variant was assessed in the context of healthy population screening.